The following is an entry in ClinVar:

NM_006885.4(ZFHX3):c.217G>A (p.Glu73Lys)

Gene: ZFHX3 (zinc finger homeobox 3; minus strand). Cytogenetic location: 16q22.3.
Variant type: single nucleotide variant.
Coding change: c.217G>A on transcript NM_006885.4 (MANE Select); coding-DNA position 217, G replaced by A.
Protein change: p.Glu73Lys; replaces glutamic acid 73 with lysine.
Molecular consequence: missense variant. On other transcripts: intron variant (1).
Genome position (GRCh38, 1-based): chr16:72,959,929, C>T on the plus strand (G>A on the coding strand, the complement: ZFHX3 is on the minus strand). VCF-style: chr16-72959929-C-T. GRCh37 (hg19) VCF-style: chr16-72993828-C-T.
Other names: c.217G>A, p.Glu73Lys (NM_001386735.1); c.-23-8964G>A (NM_001164766.2); short protein forms E73K.
Identifiers: ClinVar variation 4083989 (VCV004083989.8).

ClinVar aggregate classification (germline): Likely benign (1 of 4 stars; one submission).

gnomAD v4.1: 180 of 1,598,706 alleles (0.011%); highest among the groups gnomAD compares: South Asian, 0.084%; no homozygotes.

Submission:

CeGaT Center for Human Genetics Tuebingen
Classification: Likely benign. Last evaluated: 2025-06-01. Review status: criteria provided, single submitter. Criteria: CeGaT Center For Human Genetics Tuebingen Variant Classification Criteria Version 2. Collection method: clinical testing. Allele origin: germline. Affected: yes. Observed: 1 variant allele.
Comment: ZFHX3: BS2